The following is an entry in ClinVar:

NM_001277115.2(DNAH11):c.11498C>T (p.Ala3833Val)

Gene: DNAH11 (dynein axonemal heavy chain 11; plus strand). Cytogenetic location: 7p15.3.
Variant type: single nucleotide variant.
Coding change: c.11498C>T on transcript NM_001277115.2 (MANE Select); coding-DNA position 11498, C replaced by T.
Protein change: p.Ala3833Val; replaces alanine 3833 with valine.
Molecular consequence: missense variant.
Genome position (GRCh38, 1-based): chr7:21,866,471, C>T. VCF-style: chr7-21866471-C-T. GRCh37 (hg19) VCF-style: chr7-21906089-C-T.
Other names: short protein forms A3833V.
Identifiers: ClinVar variation 950700 (VCV000950700.5), dbSNP rs373626566, ClinGen allele CA4182780.
Genomic context (GRCh38, chr7:21,866,471, plus strand): 5'-TTCTCAAACTGTAAAGTATCGTTCACACCATTCCTACTTGTTTCCCTATCATATTACAGG[C>T]AATTGCCGTCATGGAAGAATTTCGAGGCATAGACCGAGATGTGGAAGGATCTGCCAAGCA-3'
Protein context (NP_001264044.1, residues 3823-3843): LTSQSWSAIK[Ala3833Val]IAVMEEFRGI

ClinVar aggregate classification (germline): Uncertain significance (1 of 4 stars; one submission).

Conditions:
Primary ciliary dyskinesia. Also called: Ciliary dyskinesia. Identifiers: Orphanet 244, MedGen C0008780, MONDO:0016575, HP:0012265.

Allele frequency attached by ClinVar (database versions not stated): ExAC 0.00001; gnomAD 0.00009 and 0.00010; TOPMed 0.00010; ESP Exome Variant Server 0.00017.
gnomAD v4.1: 23 of 1,609,022 alleles (0.0014%); highest among the groups gnomAD compares: African/African-American, 0.021%; no homozygotes.

Submission:

Labcorp Genetics (formerly Invitae), Labcorp
Classification: Uncertain significance for Primary ciliary dyskinesia. Last evaluated: 2022-08-23. Review status: criteria provided, single submitter. Criteria: Invitae Variant Classification Sherloc (09022015). Collection method: clinical testing. Allele origin: germline.
Comment: This sequence change replaces alanine, which is neutral and non-polar, with valine, which is neutral and non-polar, at codon 3833 of the DNAH11 protein (p.Ala3833Val). This variant is present in population databases (rs373626566, gnomAD 0.02%). This variant has not been reported in the literature in individuals affected with DNAH11-related conditions. ClinVar contains an entry for this variant (Variation ID: 950700). Algorithms developed to predict the effect of missense changes on protein structure and function (SIFT, PolyPhen-2, Align-GVGD) all suggest that this variant is likely to be tolerated. Algorithms developed to predict the effect of sequence changes on RNA splicing suggest that this variant may create or strengthen a splice site. In summary, the available evidence is currently insufficient to determine the role of this variant in disease. Therefore, it has been classified as a Variant of Uncertain Significance.